The following is an entry in ClinVar:

ClinVar aggregate classification (germline): Likely benign. Review status: criteria provided, multiple submitters, no conflicts (2 of 4 stars). 2 submissions from 2 submitters: Likely benign (2). Last evaluated 2023-04-01.

Allele frequency attached by ClinVar (database versions not stated): gnomAD 0.00010 and 0.00012; TOPMed 0.00016; gnomAD exomes 0.00017.
gnomAD v4.1: 195 of 1,549,974 alleles (0.013%); highest among the groups gnomAD compares: Middle Eastern, 0.033%; no homozygotes.

Submissions (2):

CeGaT Center for Human Genetics Tuebingen
Classification: Likely benign. Last evaluated: 2023-04-01. Review status: criteria provided, single submitter. Criteria: CeGaT Center For Human Genetics Tuebingen Variant Classification Criteria Version 2. Collection method: clinical testing. Allele origin: germline. Affected: yes. Observed: 1 variant allele.
Comment: MCF2L: BP4, BP7

Labcorp Genetics (formerly Invitae), Labcorp
Classification: Likely benign. Last evaluated: 2018-06-11. Review status: criteria provided, single submitter. Criteria: Invitae Variant Classification Sherloc (09022015). Collection method: clinical testing. Allele origin: germline.

NM_001112732.3(MCF2L):c.4A>C (p.Arg2=)

Gene: MCF2L (MCF.2 cell line derived transforming sequence like; plus strand). Cytogenetic location: 13q34.
Variant type: single nucleotide variant.
Coding change: c.4A>C on transcript NM_001112732.3 (MANE Select); coding-DNA position 4, A replaced by C.
Protein change: p.Arg2=; no amino-acid change (arginine 2 retained).
Molecular consequence: synonymous variant.
Genome position (GRCh38, 1-based): chr13:112,969,383, A>C. VCF-style: chr13-112969383-A-C. GRCh37 (hg19) VCF-style: chr13-113623697-A-C.
Identifiers: ClinVar variation 741303 (VCV000741303.27), dbSNP rs777895059, ClinGen allele CA256436266.